The following is an entry in ClinVar:

ClinVar aggregate classification (germline): Uncertain significance (1 of 4 stars; one submission).

Allele frequency attached by ClinVar (database versions not stated): gnomAD exomes 0.00001.
gnomAD v4.1: 7 of 1,613,764 alleles (0.00043%); highest among the groups gnomAD compares: South Asian, 0.0011%; no homozygotes.

Submission:

Labcorp Genetics (formerly Invitae), Labcorp
Classification: Uncertain significance. Last evaluated: 2023-12-09. Review status: criteria provided, single submitter. Criteria: Invitae Variant Classification Sherloc (09022015). Collection method: clinical testing. Allele origin: germline.
Comment: This sequence change replaces glycine, which is neutral and non-polar, with serine, which is neutral and polar, at codon 116 of the SLC39A7 protein (p.Gly116Ser). This variant is not present in population databases (gnomAD no frequency). This variant has not been reported in the literature in individuals affected with SLC39A7-related conditions. Experimental studies and prediction algorithms are not available or were not evaluated, and the functional significance of this variant is currently unknown. In summary, the available evidence is currently insufficient to determine the role of this variant in disease. Therefore, it has been classified as a Variant of Uncertain Significance.

NM_006979.3(SLC39A7):c.346G>A (p.Gly116Ser)

Gene: SLC39A7 (solute carrier family 39 member 7; plus strand). Cytogenetic location: 6p21.32.
Variant type: single nucleotide variant.
Coding change: c.346G>A on transcript NM_006979.3 (MANE Select); coding-DNA position 346, G replaced by A.
Protein change: p.Gly116Ser; replaces glycine 116 with serine.
Molecular consequence: missense variant. On other transcripts: intron variant (1).
Genome position (GRCh38, 1-based): chr6:33,201,591, G>A. VCF-style: chr6-33201591-G-A. GRCh37 (hg19) VCF-style: chr6-33169368-G-A.
Other names: c.346G>A, p.Gly116Ser (NM_001077516.2); c.53-170G>A (NM_001288777.2); short protein forms G116S.
Identifiers: ClinVar variation 2876769 (VCV002876769.3), dbSNP rs1774568749, ClinGen allele CA363636380.